The following is an entry in ClinVar:

NM_016169.4(SUFU):c.1240G>T (p.Glu414Ter)

Gene: SUFU (SUFU negative regulator of hedgehog signaling; plus strand). Cytogenetic location: 10q24.32.
Variant type: single nucleotide variant.
Coding change: c.1240G>T on transcript NM_016169.4 (MANE Select); coding-DNA position 1240, G replaced by T.
Protein change: p.Glu414Ter; replaces glutamic acid 414 with a stop codon.
Molecular consequence: nonsense.
Genome position (GRCh38, 1-based): chr10:102,617,372, G>T. VCF-style: chr10-102617372-G-T. GRCh37 (hg19) VCF-style: chr10-104377129-G-T.
Other names: c.1240G>T, p.Glu414Ter (NM_001178133.2); short protein forms E414*.
Identifiers: ClinVar variation 4787073 (VCV004787073.1).

ClinVar aggregate classification (germline): Pathogenic (1 of 4 stars; one submission).

Conditions:
Gorlin syndrome. Also called: Nevoid Basal Cell Carcinoma Syndrome; Basal cell nevus syndrome. Identifiers: Orphanet 377, MedGen C0004779, MONDO:0007187.
Medulloblastoma (MDB). Also called: Medulloblastoma, somatic; MEDULLOBLASTOMA PREDISPOSITION SYNDROME. Identifiers: Orphanet 616, MedGen C0025149, MeSH D008527, MONDO:0007959, OMIM 155255, HP:0002885.

Submission:

Labcorp Genetics (formerly Invitae), Labcorp
Classification: Pathogenic for Gorlin syndrome; Medulloblastoma. Last evaluated: 2025-12-19. Review status: criteria provided, single submitter. Criteria: Invitae Variant Classification Sherloc (09022015). Collection method: clinical testing. Allele origin: germline.
Comment: This sequence change creates a premature translational stop signal (p.Glu414*) in the SUFU gene. It is expected to result in an absent or disrupted protein product. Loss-of-function variants in SUFU are known to be pathogenic (PMID: 22508808, 25403219, 33024317). This variant is not present in population databases (gnomAD no frequency). This variant has not been reported in the literature in individuals affected with SUFU-related conditions. For these reasons, this variant has been classified as Pathogenic.

Literature cited by the submitters: PubMed 22508808; PubMed 25403219; PubMed 33024317.